The following is an entry in ClinVar:

ClinVar aggregate classification (germline): Likely pathogenic (1 of 4 stars; one submission).

Submission:

GeneDx
Classification: Likely pathogenic. Last evaluated: 2024-01-25. Review status: criteria provided, single submitter. Criteria: GeneDx Variant Classification Process June 2021. Collection method: clinical testing. Allele origin: germline. Affected: yes.
Comment: Not observed at significant frequency in large population cohorts (gnomAD); In silico analysis supports that this missense variant has a deleterious effect on protein structure/function; This variant is associated with the following publications: (PMID: 37467750)

NM_001357.5(DHX9):c.2282G>A (p.Arg761Gln)

Gene: DHX9 (DExH-box helicase 9; plus strand). Cytogenetic location: 1q25.3.
Variant type: single nucleotide variant.
Coding change: c.2282G>A on transcript NM_001357.5 (MANE Select); coding-DNA position 2282, G replaced by A.
Protein change: p.Arg761Gln; replaces arginine 761 with glutamine.
Molecular consequence: missense variant. On other transcripts: non-coding transcript variant (1).
Genome position (GRCh38, 1-based): chr1:182,878,104, G>A. VCF-style: chr1-182878104-G-A. GRCh37 (hg19) VCF-style: chr1-182847239-G-A.
Other names: short protein forms R761Q.
Identifiers: ClinVar variation 3253104 (VCV003253104.1), dbSNP rs2526439935.